The following is an entry in ClinVar:

ClinVar aggregate classification (germline): Pathogenic (1 of 4 stars; one submission).

Conditions:
Familial X-linked hypophosphatemic vitamin D refractory rickets (XLHRD). Also called: X-Linked Hypophosphatemia; HYPOPHOSPHATEMIC VITAMIN D-RESISTANT RICKETS; Hypophosphatemic Rickets, X-Linked Dominant; Hypophosphatemia, vitamin D-resistant rickets; Vitamin D-resistant rickets, X-linked. Identifiers: Orphanet 89936, MedGen C0733682, MONDO:0010619, OMIM 307800.

Submission:

Mendelics
Classification: Pathogenic for Familial X-linked hypophosphatemic vitamin D refractory rickets. Last evaluated: 2026-03-28. Review status: criteria provided, single submitter. Criteria: ACMG Guidelines, 2015. Collection method: clinical testing. Allele origin: unknown.
Comment: Duplication of gene PHEX.

NM_000444.6(PHEX):c.664-77_1079+71dup

Gene: PHEX (phosphate regulating endopeptidase X-linked; plus strand). Cytogenetic location: Xp22.11.
Variant type: Duplication.
Coding change: c.664-77_1079+71dup on transcript NM_000444.6 (MANE Select); 77 bases into the intron before coding-DNA position 664 through 71 bases into the intron after coding-DNA position 1079, 8,871 bases duplicated.
Molecular consequence: splice acceptor variant, splice donor variant.
Genome position (GRCh38, 1-based): chrX:22,090,352-22,099,222, 8,871 bases duplicated. GRCh37 (hg19): chrX:22,108,470-22,117,340.
Other names: c.664-77_1079+71dup (NM_001282754.2).
Identifiers: ClinVar variation 4820233 (VCV004820233.1).